The following is an entry in ClinVar:

NM_024818.6(UBA5):c.662C>G (p.Pro221Arg)

Genes: NPHP3-ACAD11 (NPHP3-ACAD11 readthrough (NMD candidate); minus strand), UBA5 (ubiquitin like modifier activating enzyme 5; plus strand). Cytogenetic location: 3q22.1.
Variant type: single nucleotide variant.
Coding change: c.662C>G on transcript NM_024818.6 (MANE Select); coding-DNA position 662, C replaced by G.
Protein change: p.Pro221Arg; replaces proline 221 with arginine.
Molecular consequence: missense variant.
Genome position (GRCh38, 1-based): chr3:132,671,859, C>G. VCF-style: chr3-132671859-C-G. GRCh37 (hg19) VCF-style: chr3-132390703-C-G.
Other names: c.494C>G, p.Pro165Arg (NM_001320210.2, NM_198329.4); c.392C>G, p.Pro131Arg (NM_001321238.2); c.326C>G, p.Pro109Arg (NM_001321239.1); short protein forms P221R, P131R, P109R, P165R.
Identifiers: ClinVar variation 1353664 (VCV001353664.6), dbSNP rs2107943101, ClinGen allele CA354574311.

ClinVar aggregate classification (germline): Uncertain significance (1 of 4 stars; one submission).

Allele frequency attached by ClinVar (database versions not stated): gnomAD exomes below 0.00001.
gnomAD v4.1: 1 of 1,613,160 alleles (0.000062%); highest among the groups gnomAD compares: Non-Finnish European, 0.000085%; no homozygotes.

Submission:

Labcorp Genetics (formerly Invitae), Labcorp
Classification: Uncertain significance. Last evaluated: 2021-05-14. Review status: criteria provided, single submitter. Criteria: Invitae Variant Classification Sherloc (09022015). Collection method: clinical testing. Allele origin: germline.
Comment: This variant is not present in population databases (ExAC no frequency). This sequence change replaces proline with arginine at codon 221 of the UBA5 protein (p.Pro221Arg). The proline residue is highly conserved and there is a moderate physicochemical difference between proline and arginine. This variant has not been reported in the literature in individuals with UBA5-related conditions. In summary, the available evidence is currently insufficient to determine the role of this variant in disease. Therefore, it has been classified as a Variant of Uncertain Significance. Algorithms developed to predict the effect of missense changes on protein structure and function are either unavailable or do not agree on the potential impact of this missense change (SIFT: "Not Available"; PolyPhen-2: "Probably Damaging"; Align-GVGD: "Not Available").